The following is an entry in ClinVar:

ClinVar aggregate classification (germline): Uncertain significance. Review status: criteria provided, multiple submitters, no conflicts (2 of 4 stars). 2 submissions from 2 submitters: Uncertain significance (2). Last evaluated 2025-06-26.

Conditions:
Landau-Kleffner syndrome (FESD). Also called: EPILEPSY, FOCAL, WITH SPEECH DISORDER AND WITH OR WITHOUT MENTAL RETARDATION; APHASIA, ACQUIRED, WITH EPILEPSY. Identifiers: Orphanet 1945, Orphanet 725, Orphanet 98818, MedGen C0282512, MONDO:0009509, OMIM 245570.

Submissions (2):

GeneDx
Classification: Uncertain significance. Last evaluated: 2025-06-26. Review status: criteria provided, single submitter. Criteria: GeneDx Variant Classification Process June 2021. Collection method: clinical testing. Allele origin: germline. Affected: yes.
Comment: Not observed at significant frequency in large population cohorts (gnomAD); In silico analysis suggests that this missense variant does not alter protein structure/function; Has not been previously published as pathogenic or benign to our knowledge

Labcorp Genetics (formerly Invitae), Labcorp
Classification: Uncertain significance for Landau-Kleffner syndrome. Last evaluated: 2025-03-05. Review status: criteria provided, single submitter. Criteria: Invitae Variant Classification Sherloc (09022015). Collection method: clinical testing. Allele origin: germline.
Comment: This sequence change replaces leucine, which is neutral and non-polar, with isoleucine, which is neutral and non-polar, at codon 1313 of the GRIN2A protein (p.Leu1313Ile). This variant is not present in population databases (gnomAD no frequency). This variant has not been reported in the literature in individuals affected with GRIN2A-related conditions. ClinVar contains an entry for this variant (Variation ID: 1806708). Invitae Evidence Modeling of protein sequence and biophysical properties (such as structural, functional, and spatial information, amino acid conservation, physicochemical variation, residue mobility, and thermodynamic stability) indicates that this missense variant is not expected to disrupt GRIN2A protein function with a negative predictive value of 95%. In summary, the available evidence is currently insufficient to determine the role of this variant in disease. Therefore, it has been classified as a Variant of Uncertain Significance.

NM_001134407.3(GRIN2A):c.3937C>A (p.Leu1313Ile)

Gene: GRIN2A (glutamate ionotropic receptor NMDA type subunit 2A; minus strand). Cytogenetic location: 16p13.2.
Variant type: single nucleotide variant.
Coding change: c.3937C>A on transcript NM_001134407.3 (MANE Select); coding-DNA position 3937, C replaced by A.
Protein change: p.Leu1313Ile; replaces leucine 1313 with isoleucine.
Molecular consequence: missense variant. On other transcripts: intron variant (1).
Genome position (GRCh38, 1-based): chr16:9,763,607, G>T on the plus strand (C>A on the coding strand, the complement: GRIN2A is on the minus strand). VCF-style: chr16-9763607-G-T. GRCh37 (hg19) VCF-style: chr16-9857464-G-T.
Other names: c.3937C>A, p.Leu1313Ile (NM_000833.5); c.3772+165C>A (NM_001134408.2); short protein forms L1313I.
Identifiers: ClinVar variation 1806708 (VCV001806708.4), dbSNP rs375287911, ClinGen allele CA394706524.